The following is an entry in ClinVar:

ClinVar aggregate classification (germline): Pathogenic (1 of 4 stars; one submission).

Conditions:
PKD2-related disorder. Also called: PKD2-related condition.

Submission:

PreventionGenetics, part of Exact Sciences
Classification: Pathogenic for PKD2-related condition. Last evaluated: 2023-04-07. Review status: criteria provided, single submitter. Criteria: ACMG Guidelines, 2015. Collection method: clinical testing. Allele origin: germline.
Comment: The PKD2 c.253C>T variant is predicted to result in premature protein termination (p.Gln85*). This variant was reported in an individual with polycystic kidney disease (Rossetti et al. 2007. PubMed ID: 17582161). This variant has not been reported in a large population database, indicating this variant is rare. Nonsense variants in PKD2 are expected to be pathogenic. This variant is interpreted as pathogenic.

NM_000297.4(PKD2):c.253C>T (p.Gln85Ter)

Genes: PKD2 (polycystin 2, transient receptor potential cation channel; plus strand), LOC129992813 (ATAC-STARR-seq lymphoblastoid silent region 15559; plus strand). Cytogenetic location: 4q22.1.
Variant type: single nucleotide variant.
Coding change: c.253C>T on transcript NM_000297.4 (MANE Select); coding-DNA position 253, C replaced by T.
Protein change: p.Gln85Ter; replaces glutamine 85 with a stop codon.
Molecular consequence: nonsense. On other transcripts: non-coding transcript variant (1).
Genome position (GRCh38, 1-based): chr4:88,007,986, C>T. VCF-style: chr4-88007986-C-T. GRCh37 (hg19) VCF-style: chr4-88929138-C-T.
Other names: short protein forms Q85*.
Identifiers: ClinVar variation 2632138 (VCV002632138.1), dbSNP rs2476357504, ClinGen allele CA357625879.
Genomic context (GRCh38, chr4:88,007,986, plus strand): 5'-CGGGACCCCCCGGCCGGAGCCGCGGCCTCCCCTTCTCCTCCGCTCTCGTCGTGCTCCCGG[C>T]AGGCGTGGAGCCGCGATAACCCCGGCTTCGAGGCCGAGGAGGAGGAGGAGGAGGTGGAAG-3'